The following is an entry in ClinVar:

ClinVar aggregate classification (germline): Likely pathogenic (1 of 4 stars; one submission).

Conditions:
Multiple acyl-CoA dehydrogenase deficiency (MADD). Also called: ETHYLMALONIC-ADIPICACIDURIA; GA II; Glutaric aciduria, type 2; Glutaric acidemia type II; GA 2; Glutaric Acidemia type 2. Identifiers: Orphanet 26791, MedGen C0268596, MONDO:0009282, OMIM 231680.

Submission:

Labcorp Genetics (formerly Invitae), Labcorp
Classification: Likely pathogenic for Multiple acyl-CoA dehydrogenase deficiency. Last evaluated: 2023-10-22. Review status: criteria provided, single submitter. Criteria: Invitae Variant Classification Sherloc (09022015). Collection method: clinical testing. Allele origin: germline.
Comment: This sequence change affects an acceptor splice site in intron 3 of the ETFA gene. It is expected to disrupt RNA splicing. Variants that disrupt the donor or acceptor splice site typically lead to a loss of protein function (PMID: 16199547), and loss-of-function variants in ETFA are known to be pathogenic (PMID: 16510302, 23785301). This variant is not present in population databases (gnomAD no frequency). This variant has not been reported in the literature in individuals affected with ETFA-related conditions. Algorithms developed to predict the effect of sequence changes on RNA splicing suggest that this variant may disrupt the consensus splice site. In summary, the currently available evidence indicates that the variant is pathogenic, but additional data are needed to prove that conclusively. Therefore, this variant has been classified as Likely Pathogenic.

Literature cited by the submitters: PubMed 16199547; PubMed 16510302; PubMed 23785301.

NM_000126.4(ETFA):c.269-2A>G

Gene: ETFA (electron transfer flavoprotein subunit alpha; minus strand). Cytogenetic location: 15q24.2.
Variant type: single nucleotide variant.
Coding change: c.269-2A>G on transcript NM_000126.4 (MANE Select); the canonical splice acceptor site of the intron before coding-DNA position 269, A replaced by G.
Molecular consequence: splice acceptor variant.
Genome position (GRCh38, 1-based): chr15:76,292,515, T>C on the plus strand (A>G on the coding strand, the complement: ETFA is on the minus strand). VCF-style: chr15-76292515-T-C. GRCh37 (hg19) VCF-style: chr15-76584856-T-C.
Other names: c.122-2A>G (NM_001127716.2).
Identifiers: ClinVar variation 2770571 (VCV002770571.3), dbSNP rs2543032349, ClinGen allele CA393517142.